The following is an entry in ClinVar:

NM_000051.4(ATM):c.4776G>T (p.Glu1592Asp)

Gene: ATM (ATM serine/threonine kinase; plus strand). Cytogenetic location: 11q22.3.
Variant type: single nucleotide variant.
Coding change: c.4776G>T on transcript NM_000051.4 (MANE Select); coding-DNA position 4776, G replaced by T.
Protein change: p.Glu1592Asp; replaces glutamic acid 1592 with aspartic acid.
Molecular consequence: missense variant.
Genome position (GRCh38, 1-based): chr11:108,293,477, G>T. VCF-style: chr11-108293477-G-T. GRCh37 (hg19) VCF-style: chr11-108164204-G-T.
Other names: c.4776G>T, p.Glu1592Asp (NM_001351834.2); short protein forms E1592D.
Identifiers: ClinVar variation 1742998 (VCV001742998.3), dbSNP rs786202973, ClinGen allele CA382535223.

ClinVar aggregate classification (germline): Uncertain significance (1 of 4 stars; one submission).

Conditions:
Hereditary cancer-predisposing syndrome. Also called: Tumor predisposition; Hereditary Cancer Syndrome; Hereditary neoplastic syndrome; Neoplastic Syndromes, Hereditary. Identifiers: Orphanet 140162, MedGen C0027672, MeSH D009386, MONDO:0015356.

Submission:

Ambry Genetics
Classification: Uncertain significance for Hereditary cancer-predisposing syndrome. Last evaluated: 2026-03-03. Review status: criteria provided, single submitter. Criteria: Ambry Variant Classification Scheme 2023. Collection method: clinical testing. Allele origin: germline.
Comment: The c.4776G>T variant (also known as p.E1592D), located in coding exon 30 of the ATM gene, results from a G to T substitution at nucleotide position 4776. The amino acid change results in glutamic acid to aspartic acid at codon 1592, an amino acid with highly similar properties. However, this change occurs in the last base pair of coding exon 30, which makes it likely to have some effect on normal mRNA splicing. In an assay testing ATM function, this variant showed a functionally indeterminant result (Lee KS et al. Cell, 2025 Sep;188:5081-5099.e27). This nucleotide position is highly conserved in available vertebrate species. This amino acid position is well conserved in available vertebrate species. In silico splice site analysis predicts that this alteration will weaken the native splice donor site. In addition, this alteration is predicted to be tolerated by in silico analysis. Based on the available evidence, the clinical significance of this variant remains unclear.

Literature cited by the submitters: PubMed 40580951.